The following is an entry in ClinVar:

NM_000038.6(APC):c.7789G>A (p.Gly2597Arg)

Gene: APC (APC regulator of Wnt signaling pathway; plus strand). Cytogenetic location: 5q22.2.
Variant type: single nucleotide variant.
Coding change: c.7789G>A on transcript NM_000038.6 (MANE Select); coding-DNA position 7789, G replaced by A.
Protein change: p.Gly2597Arg; replaces glycine 2597 with arginine.
Molecular consequence: missense variant. On other transcripts: non-coding transcript variant (2).
Genome position (GRCh38, 1-based): chr5:112,843,383, G>A. VCF-style: chr5-112843383-G-A. GRCh37 (hg19) VCF-style: chr5-112179080-G-A.
Other names: c.7789G>A, p.Gly2597Arg (NM_001127510.3, NM_001354895.2, NM_001407450.1); c.7735G>A, p.Gly2579Arg (NM_001127511.3); c.7843G>A, p.Gly2615Arg (NM_001354896.2, NM_001407447.1, NM_001407448.1 and 1 more transcripts); c.7819G>A, p.Gly2607Arg (NM_001354897.2); c.7714G>A, p.Gly2572Arg (NM_001354898.2); c.7705G>A, p.Gly2569Arg (NM_001354899.2); c.7666G>A, p.Gly2556Arg (NM_001354900.2); c.7612G>A, p.Gly2538Arg (NM_001354901.2, NM_001407453.1); and 12 more; short protein forms G2437R, G2496R, G2569R, G2572R, G2468R, G2538R, G2607R, G2471R.
Identifiers: ClinVar variation 2841673 (VCV002841673.4), dbSNP rs2149993878, ClinGen allele CA16038249.

ClinVar aggregate classification (germline): Uncertain significance. Review status: criteria provided, multiple submitters, no conflicts (2 of 4 stars). 2 submissions from 2 submitters: Uncertain significance (2). Last evaluated 2024-06-25.

Conditions:
Hereditary cancer-predisposing syndrome. Also called: Neoplastic Syndromes, Hereditary; Hereditary Cancer Syndrome; Hereditary neoplastic syndrome; Tumor predisposition. Identifiers: Orphanet 140162, MedGen C0027672, MeSH D009386, MONDO:0015356.
Familial adenomatous polyposis 1 (FAP1). Also called: FAMILIAL ADENOMATOUS POLYPOSIS 1, ATTENUATED; POLYPOSIS, ADENOMATOUS INTESTINAL. Identifiers: MedGen C2713442, MONDO:0021056, OMIM 175100. Disease mechanism: loss of function.

Submissions (2):

Ambry Genetics
Classification: Uncertain significance for Hereditary cancer-predisposing syndrome. Last evaluated: 2024-06-25. Review status: criteria provided, single submitter. Criteria: Ambry Variant Classification Scheme 2023. Collection method: clinical testing. Allele origin: germline.
Comment: The p.G2597R variant (also known as c.7789G>A), located in coding exon 15 of the APC gene, results from a G to A substitution at nucleotide position 7789. The glycine at codon 2597 is replaced by arginine, an amino acid with dissimilar properties. This amino acid position is conserved. In addition, in silico predictors for this gene do not accurately predict pathogenicity. Based on the available evidence, the clinical significance of this variant remains unclear.

Labcorp Genetics (formerly Invitae), Labcorp
Classification: Uncertain significance for Familial adenomatous polyposis 1. Last evaluated: 2023-03-01. Review status: criteria provided, single submitter. Criteria: Invitae Variant Classification Sherloc (09022015). Collection method: clinical testing. Allele origin: germline.
Comment: Advanced modeling of protein sequence and biophysical properties (such as structural, functional, and spatial information, amino acid conservation, physicochemical variation, residue mobility, and thermodynamic stability) performed at Invitae indicates that this missense variant is not expected to disrupt APC protein function. In summary, the available evidence is currently insufficient to determine the role of this variant in disease. Therefore, it has been classified as a Variant of Uncertain Significance. This variant has not been reported in the literature in individuals affected with APC-related conditions. This sequence change replaces glycine, which is neutral and non-polar, with arginine, which is basic and polar, at codon 2597 of the APC protein (p.Gly2597Arg). This variant is not present in population databases (gnomAD no frequency).